The following is an entry in ClinVar:

NM_014714.4(IFT140):c.481C>G (p.Pro161Ala)

Genes: IFT140 (intraflagellar transport 140; minus strand), LOC105371046 (uncharacterized LOC105371046; plus strand). Cytogenetic location: 16p13.3.
Variant type: single nucleotide variant.
Coding change: c.481C>G on transcript NM_014714.4 (MANE Select); coding-DNA position 481, C replaced by G.
Protein change: p.Pro161Ala; replaces proline 161 with alanine.
Molecular consequence: missense variant.
Genome position (GRCh38, 1-based): chr16:1,592,477, G>C on the plus strand (C>G on the coding strand, the complement: IFT140 is on the minus strand). VCF-style: chr16-1592477-G-C. GRCh37 (hg19) VCF-style: chr16-1642478-G-C.
Other names: short protein forms P161A.
Identifiers: ClinVar variation 575615 (VCV000575615.15), dbSNP rs148462329, ClinGen allele CA7814693.
Genomic context (GRCh38, chr16:1,592,477, plus strand): 5'-TCCCCCGATGTAAACACACACACAGGTCACAGGGCAAGCCCCACACTTACTCGCCAGGAG[G>C]GGGGAGCCGGAAGATGCAGTGCGTGAGGTGTTTCCCATACTCGTGTTTCAGCAGAGGCGT-3'
Protein context (NP_055529.2, residues 151-171): HLTHCIFRLP[Pro161Ala]PGEDLVQLAK

ClinVar aggregate classification (germline): Conflicting classifications of pathogenicity. Review status: criteria provided, conflicting classifications (1 of 4 stars). 6 submissions from 6 submitters: Uncertain significance (2); Likely benign (2). 2 of the submissions do not count toward it. Last evaluated 2026-01-12.

Conditions:
Retinal dystrophy. Also called: Inherited retinal dystrophy. Identifiers: Orphanet 71862, MedGen C0854723, MeSH D058499, MONDO:0019118, HP:0000556.
Saldino-Mainzer syndrome (SRTD9). Also called: SHORT-RIB THORACIC DYSPLASIA 9 WITHOUT POLYDACTYLY; CONORENAL SYNDROME; Renal dysplasia, retinal pigmentary dystrophy, cerebellar ataxia and skeletal dysplasia; short-rib thoracic dysplasia 9 with or without polydactyly. Identifiers: Orphanet 140969, MedGen C1849437, MONDO:0009964, OMIM 266920.
IFT140-related disorder. Also called: IFT140-related condition.
Retinitis pigmentosa 80 (RP80). Identifiers: MedGen C4540439, MONDO:0054708, OMIM 617781.

Allele frequency attached by ClinVar (database versions not stated): TOPMed 0.00016.
gnomAD v4.1: 196 of 1,614,062 alleles (0.012%); highest among the groups gnomAD compares: Admixed American, 0.13%; no homozygotes.

Submissions (6):

Labcorp Genetics (formerly Invitae), Labcorp
Classification: Likely benign for Saldino-Mainzer syndrome. Last evaluated: 2026-01-12. Review status: criteria provided, single submitter. Criteria: Invitae Variant Classification Sherloc (09022015). Collection method: clinical testing. Allele origin: germline.

Blueprint Genetics
Classification: Likely benign. Last evaluated: 2024-08-14. Review status: criteria provided, single submitter. Criteria: ACMG Guidelines, 2015. Collection method: clinical testing. Allele origin: germline.

Fulgent Genetics
Classification: Uncertain significance for Saldino-Mainzer syndrome; Retinitis pigmentosa 80. Last evaluated: 2024-05-09. Review status: criteria provided, single submitter. Criteria: ACMG Guidelines, 2015. Collection method: clinical testing. Allele origin: germline.

Illumina Laboratory Services, Illumina
Classification: Uncertain significance for Saldino-Mainzer syndrome. Last evaluated: 2018-01-13. Review status: criteria provided, single submitter. Criteria: ICSL Variant Classification Criteria 13 December 2019. Collection method: clinical testing. Allele origin: germline.

Institute of Human Genetics, Univ. Regensburg, Univ. Regensburg
Classification: Uncertain significance for Retinal dystrophy. Last evaluated: 2023-01-01. Review status: no assertion criteria provided. Criteria: ACMG Guidelines, 2015. Collection method: clinical testing. Allele origin: germline. Affected: yes. Not counted in ClinVar's aggregate classification.

PreventionGenetics, part of Exact Sciences
Classification: Likely benign for IFT140-related condition. Last evaluated: 2022-08-05. Review status: no assertion criteria provided. Collection method: clinical testing. Allele origin: germline. Not counted in ClinVar's aggregate classification.
Comment: This variant is classified as likely benign based on ACMG/AMP sequence variant interpretation guidelines (Richards et al. 2015 PMID: 25741868, with internal and published modifications).